The following is an entry in ClinVar:

NM_017827.4(SARS2):c.-5C>A

Genes: SARS2 (seryl-tRNA synthetase 2, mitochondrial; minus strand), LOC130064387 (ATAC-STARR-seq lymphoblastoid active region 14604; plus strand). Cytogenetic location: 19q13.2.
Variant type: single nucleotide variant.
Coding change: c.-5C>A on transcript NM_017827.4 (MANE Select); 5 bases upstream of the start codon, C replaced by A.
Molecular consequence: 5 prime UTR variant.
Genome position (GRCh38, 1-based): chr19:38,930,741, G>T on the plus strand (C>A on the coding strand, the complement: SARS2 is on the minus strand). VCF-style: chr19-38930741-G-T. GRCh37 (hg19) VCF-style: chr19-39421381-G-T.
Other names: c.-5C>A (NM_001145901.2).
Identifiers: ClinVar variation 1254774 (VCV001254774.6), dbSNP rs376534605, ClinGen allele CA9423371.

ClinVar aggregate classification (germline): Uncertain significance. Review status: criteria provided, multiple submitters, no conflicts (2 of 4 stars). 2 submissions from 2 submitters: Uncertain significance (2). Last evaluated 2025-02-20.

Conditions:
Hyperuricemia, pulmonary hypertension, renal failure, alkalosis syndrome (HUPRAS). Also called: HYPERURICEMIA, PULMONARY HYPERTENSION, RENAL FAILURE, AND ALKALOSIS SYNDROME; HUPRA SYNDROME. Identifiers: Orphanet 363694, MedGen C3151209, MONDO:0013458, OMIM 613845.

Allele frequency attached by ClinVar (database versions not stated): ESP Exome Variant Server 0.00015; gnomAD 0.00015; gnomAD exomes 0.00019.
gnomAD v4.1: 293 of 1,612,686 alleles (0.018%); highest among the groups gnomAD compares: Non-Finnish European, 0.023%; no homozygotes.

Submissions (2):

GeneDx
Classification: Uncertain significance. Last evaluated: 2025-02-20. Review status: criteria provided, single submitter. Criteria: GeneDx Variant Classification Process June 2021. Collection method: clinical testing. Allele origin: germline. Affected: yes.
Comment: Nucleotide is not conserved across species and the substitution has no predicted effect on splicing; Has not been previously published as pathogenic or benign to our knowledge; Alters the Kozak sequence, which plays a major role in the initiation of translation

Fulgent Genetics
Classification: Uncertain significance for Hyperuricemia, pulmonary hypertension, renal failure, alkalosis syndrome. Last evaluated: 2024-01-17. Review status: criteria provided, single submitter. Criteria: ACMG Guidelines, 2015. Collection method: clinical testing. Allele origin: germline.